The following is an entry in ClinVar:

ClinVar aggregate classification (germline): Uncertain significance (1 of 4 stars; one submission).

Conditions:
Familial adenomatous polyposis 1 (FAP1). Also called: FAMILIAL ADENOMATOUS POLYPOSIS 1, ATTENUATED; POLYPOSIS, ADENOMATOUS INTESTINAL. Identifiers: MedGen C2713442, MONDO:0021056, OMIM 175100. Disease mechanism: loss of function.

Submission:

Labcorp Genetics (formerly Invitae), Labcorp
Classification: Uncertain significance for Familial adenomatous polyposis 1. Last evaluated: 2019-11-20. Review status: criteria provided, single submitter. Criteria: Invitae Variant Classification Sherloc (09022015). Collection method: clinical testing. Allele origin: germline.
Comment: In summary, the available evidence is currently insufficient to determine the role of this variant in disease. Therefore, it has been classified as a Variant of Uncertain Significance. Algorithms developed to predict the effect of missense changes on protein structure and function (SIFT, PolyPhen-2, Align-GVGD) all suggest that this variant is likely to be tolerated, but these predictions have not been confirmed by published functional studies and their clinical significance is uncertain. This variant has not been reported in the literature in individuals with APC-related conditions. This variant is not present in population databases (ExAC no frequency). This sequence change replaces glutamic acid with aspartic acid at codon 461 of the APC protein (p.Glu461Asp). The glutamic acid residue is highly conserved and there is a small physicochemical difference between glutamic acid and aspartic acid.

NM_000038.6(APC):c.1383G>T (p.Glu461Asp)

Gene: APC (APC regulator of Wnt signaling pathway; plus strand). Cytogenetic location: 5q22.2.
Variant type: single nucleotide variant.
Coding change: c.1383G>T on transcript NM_000038.6 (MANE Select); coding-DNA position 1383, G replaced by T.
Protein change: p.Glu461Asp; replaces glutamic acid 461 with aspartic acid.
Molecular consequence: missense variant.
Genome position (GRCh38, 1-based): chr5:112,821,966, G>T. VCF-style: chr5-112821966-G-T. GRCh37 (hg19) VCF-style: chr5-112157663-G-T.
Other names: c.1383G>T, p.Glu461Asp (NM_001127510.3, NM_001354895.2, NM_001354896.2); c.1329G>T, p.Glu443Asp (NM_001127511.3); c.1413G>T, p.Glu471Asp (NM_001354897.2); c.1308G>T, p.Glu436Asp (NM_001354898.2); c.1299G>T, p.Glu433Asp (NM_001354899.2); c.1206G>T, p.Glu402Asp (NM_001354900.2, NM_001354901.2); c.1110G>T, p.Glu370Asp (NM_001354902.2); c.1080G>T, p.Glu360Asp (NM_001354903.2); and 3 more; short protein forms E178D, E443D, E402D, E461D, E471D, E301D, E360D, E370D.
Identifiers: ClinVar variation 843217 (VCV000843217.11), dbSNP rs1561546239, ClinGen allele CA16024336.
Genomic context (GRCh38, chr5:112,821,966, plus strand): 5'-TGTTGAACATCAGATCTGTCCTGCTGTGTGTGTTCTAATGAAACTTTCATTTGATGAAGA[G>T]CATAGACATGCAATGAATGAACTAGGTAAGACAAAAATGTTTTTTAATGACATAGACAAT-3'
Protein context (NP_000029.2, residues 451-471): CVLMKLSFDE[Glu461Asp]HRHAMNELGG